The following is an entry in ClinVar:

ClinVar aggregate classification (germline): Uncertain significance (1 of 4 stars; one submission).

Conditions:
Neonatal-onset encephalopathy with rigidity and seizures. Also called: Lethal neonatal spasticity-epileptic encephalopathy syndrome. Identifiers: Orphanet 435845, MedGen C3281029, MONDO:0013784, OMIM 614498.

Submission:

Labcorp Genetics (formerly Invitae), Labcorp
Classification: Uncertain significance for Neonatal-onset encephalopathy with rigidity and seizures. Last evaluated: 2021-02-26. Review status: criteria provided, single submitter. Criteria: Invitae Variant Classification Sherloc (09022015). Collection method: clinical testing. Allele origin: germline.
Comment: This variant, c.1370_1378del, results in the deletion of 3 amino acid(s) of the BRAT1 protein (p.Leu457_Ser459del), but otherwise preserves the integrity of the reading frame. This variant is not present in population databases (ExAC no frequency). This variant has not been reported in the literature in individuals with BRAT1-related conditions. Experimental studies and prediction algorithms are not available or were not evaluated, and the functional significance of this variant is currently unknown. In summary, the available evidence is currently insufficient to determine the role of this variant in disease. Therefore, it has been classified as a Variant of Uncertain Significance.

NM_152743.4(BRAT1):c.1370_1378del (p.Leu457_Ser459del)

Gene: BRAT1 (BRCA1 associated ATM activator 1; minus strand). Cytogenetic location: 7p22.3.
Variant type: Deletion.
Coding change: c.1370_1378del on transcript NM_152743.4 (MANE Select); coding-DNA positions 1370 to 1378, 9 bases deleted (TCGAGAGCC; older notation c.1370_1378delTCGAGAGCC).
Protein change: p.Leu457_Ser459del.
Molecular consequence: inframe deletion. On other transcripts: non-coding transcript variant (1).
Genome position (GRCh38, 1-based): chr7:2,540,996-2,541,004, GGCTCTCGA deleted on the plus strand (TCGAGAGCC on the coding strand, the reverse complement: BRAT1 is on the minus strand); deleting any 9 consecutive bases within chr7:2,540,996-2,541,007 gives the same sequence; the c. name uses the placement nearest the transcript's 3' end. VCF-style (leftmost placement, unchanged base first): chr7-2540995-GGGCTCTCGA-G. GRCh37 (hg19) VCF-style: chr7-2580629-GGGCTCTCGA-G.
Other names: c.1370_1378del, p.Leu457_Ser459del (NM_001350626.2); c.845_853del, p.Leu282_Ser284del (NM_001350627.2).
Identifiers: ClinVar variation 1420089 (VCV001420089.8), dbSNP rs1779108426, ClinGen allele CA1683200042.